The following is an entry in ClinVar:

ClinVar aggregate classification (germline): Uncertain significance (1 of 4 stars; one submission).

Conditions:
Dyskeratosis congenita, autosomal recessive 6 (DKCB6). Identifiers: MedGen C4225356, MONDO:0014600, OMIM 616353.
Pulmonary fibrosis and/or bone marrow failure, Telomere-related, 4. Also called: PULMONARY FIBROSIS AND/OR BONE MARROW FAILURE SYNDROME, TELOMERE-RELATED, 4. Identifiers: Orphanet 2032, MedGen C4225347, MONDO:0014612, OMIM 616371.

gnomAD v4.1: 1 of 1,596,580 alleles (0.000063%); highest among the groups gnomAD compares: Non-Finnish European, 0.000086%; no homozygotes.

Submission:

Labcorp Genetics (formerly Invitae), Labcorp
Classification: Uncertain significance for Dyskeratosis congenita, autosomal recessive 6; Pulmonary fibrosis and/or bone marrow failure, Telomere-related, 4. Last evaluated: 2024-05-23. Review status: criteria provided, single submitter. Criteria: Invitae Variant Classification Sherloc (09022015). Collection method: clinical testing. Allele origin: germline.
Comment: This sequence change replaces valine, which is neutral and non-polar, with alanine, which is neutral and non-polar, at codon 185 of the PARN protein (p.Val185Ala). This variant is not present in population databases (gnomAD no frequency). This variant has not been reported in the literature in individuals affected with PARN-related conditions. An algorithm developed to predict the effect of missense changes on protein structure and function (PolyPhen-2) suggests that this variant is likely to be tolerated. In summary, the available evidence is currently insufficient to determine the role of this variant in disease. Therefore, it has been classified as a Variant of Uncertain Significance.

NM_002582.4(PARN):c.554T>C (p.Val185Ala)

Gene: PARN (poly(A)-specific ribonuclease; minus strand). Cytogenetic location: 16p13.12.
Variant type: single nucleotide variant.
Coding change: c.554T>C on transcript NM_002582.4 (MANE Select); coding-DNA position 554, T replaced by C.
Protein change: p.Val185Ala; replaces valine 185 with alanine.
Molecular consequence: missense variant.
Genome position (GRCh38, 1-based): chr16:14,610,644, A>G on the plus strand (T>C on the coding strand, the complement: PARN is on the minus strand). VCF-style: chr16-14610644-A-G. GRCh37 (hg19) VCF-style: chr16-14704501-A-G.
Other names: c.371T>C, p.Val124Ala (NM_001134477.3); c.416T>C, p.Val139Ala (NM_001242992.2); short protein forms V124A, V139A, V185A.
Identifiers: ClinVar variation 3756519 (VCV003756519.2).